The following is an entry in ClinVar:

NM_000213.5(ITGB4):c.5193C>T (p.Ile1731=)

Genes: ITGB4 (integrin subunit beta 4; plus strand), GALK1 (galactokinase 1; minus strand). Cytogenetic location: 17q25.1.
Variant type: single nucleotide variant.
Coding change: c.5193C>T on transcript NM_000213.5 (MANE Select); coding-DNA position 5193, C replaced by T.
Protein change: p.Ile1731=; no amino-acid change (isoleucine 1731 retained).
Molecular consequence: synonymous variant. On other transcripts: intron variant (1).
Genome position (GRCh38, 1-based): chr17:75,757,082, C>T. VCF-style: chr17-75757082-C-T. GRCh37 (hg19) VCF-style: chr17-73753163-C-T.
Other names: c.5142C>T, p.Ile1714= (NM_001005619.2); c.4983C>T, p.Ile1661= (NM_001005731.3, NM_001321123.2); c.4833C>T, p.Ile1611= (NM_001438834.1); c.*22+952G>A (NM_001381985.1).
Identifiers: ClinVar variation 724708 (VCV000724708.7), dbSNP rs146573290, ClinGen allele CA294085002.

ClinVar aggregate classification (germline): Likely benign. Review status: criteria provided, single submitter (1 of 4 stars). 2 submissions from 2 submitters: Likely benign (1). 1 of the submissions does not count toward it. Last evaluated 2023-10-18.

Conditions:
ITGB4-related disorder. Also called: ITGB4-related condition.

Allele frequency attached by ClinVar (database versions not stated): gnomAD exomes below 0.00001; gnomAD 0.00001; ESP Exome Variant Server 0.00008; TOPMed 0.00001.
gnomAD v4.1: 1 of 1,612,852 alleles (0.000062%); highest among the groups gnomAD compares: Admixed American, 0.0017%; no homozygotes.

Submissions (2):

Labcorp Genetics (formerly Invitae), Labcorp
Classification: Likely benign. Last evaluated: 2023-10-18. Review status: criteria provided, single submitter. Criteria: Invitae Variant Classification Sherloc (09022015). Collection method: clinical testing. Allele origin: germline.

PreventionGenetics, part of Exact Sciences
Classification: Likely benign for ITGB4-related condition. Last evaluated: 2021-04-29. Review status: no assertion criteria provided. Collection method: clinical testing. Allele origin: germline. Not counted in ClinVar's aggregate classification.
Comment: This variant is classified as likely benign based on ACMG/AMP sequence variant interpretation guidelines (Richards et al. 2015 PMID: 25741868, with internal and published modifications).